The following is an entry in ClinVar:

NM_014244.5(ADAMTS2):c.2533G>C (p.Asp845His)

Gene: ADAMTS2 (ADAM metallopeptidase with thrombospondin type 1 motif 2; minus strand). Cytogenetic location: 5q35.3.
Variant type: single nucleotide variant.
Coding change: c.2533G>C on transcript NM_014244.5 (MANE Select); coding-DNA position 2533, G replaced by C.
Protein change: p.Asp845His; replaces aspartic acid 845 with histidine.
Molecular consequence: missense variant.
Genome position (GRCh38, 1-based): chr5:179,128,043, C>G on the plus strand (G>C on the coding strand, the complement: ADAMTS2 is on the minus strand). VCF-style: chr5-179128043-C-G. GRCh37 (hg19) VCF-style: chr5-178555044-C-G.
Other names: short protein forms D845H.
Identifiers: ClinVar variation 565395 (VCV000565395.9), dbSNP rs76488852, ClinGen allele CA3595522.

ClinVar aggregate classification (germline): Uncertain significance. Review status: criteria provided, single submitter (1 of 4 stars). 2 submissions from 2 submitters: Uncertain significance (1). 1 of the submissions does not count toward it. Last evaluated 2022-05-13.

Conditions:
Ehlers-Danlos syndrome, dermatosparaxis type. Also called: Ehlers-Danlos syndrome, type VII, autosomal recessive; Dermatosparaxis; EDS VIIC. Identifiers: Orphanet 1901, MedGen C2700425, MONDO:0009161, OMIM 225410.

Allele frequency attached by ClinVar (database versions not stated): TOPMed below 0.00001; ExAC 0.00002; gnomAD exomes 0.00002.
gnomAD v4.1: 18 of 1,613,860 alleles (0.0011%); highest among the groups gnomAD compares: Non-Finnish European, 0.0015%; no homozygotes.

Submissions (2):

Labcorp Genetics (formerly Invitae), Labcorp
Classification: Uncertain significance for Ehlers-Danlos syndrome, dermatosparaxis type. Last evaluated: 2022-05-13. Review status: criteria provided, single submitter. Criteria: Invitae Variant Classification Sherloc (09022015). Collection method: clinical testing. Allele origin: germline.
Comment: This sequence change replaces aspartic acid, which is acidic and polar, with histidine, which is basic and polar, at codon 845 of the ADAMTS2 protein (p.Asp845His). This variant is present in population databases (rs76488852, gnomAD 0.004%). This variant has not been reported in the literature in individuals affected with ADAMTS2-related conditions. ClinVar contains an entry for this variant (Variation ID: 565395). Algorithms developed to predict the effect of missense changes on protein structure and function are either unavailable or do not agree on the potential impact of this missense change (SIFT: "Tolerated"; PolyPhen-2: "Possibly Damaging"; Align-GVGD: "Class C0"). In summary, the available evidence is currently insufficient to determine the role of this variant in disease. Therefore, it has been classified as a Variant of Uncertain Significance.

Natera, Inc.
Classification: Uncertain significance for Ehlers-Danlos syndrome type VIIC. Last evaluated: 2019-10-28. Review status: no assertion criteria provided. Collection method: clinical testing. Allele origin: germline. Not counted in ClinVar's aggregate classification.